The following is an entry in ClinVar:

ClinVar aggregate classification (germline): Uncertain significance (1 of 4 stars; one submission).

Conditions:
Bethlem myopathy 1A. Also called: Bethlem Muscular Dystrophy; MYOPATHY, BENIGN CONGENITAL, WITH CONTRACTURES; Bethlem myopathy 1. Identifiers: Orphanet 610, MedGen CN029274, MONDO:0024530, OMIM 158810.

Allele frequency attached by ClinVar (database versions not stated): gnomAD exomes 0.00001.
gnomAD v4.1: 12 of 1,614,164 alleles (0.00074%); highest among the groups gnomAD compares: Non-Finnish European, 0.00085%; no homozygotes.

Submission:

Labcorp Genetics (formerly Invitae), Labcorp
Classification: Uncertain significance for Bethlem myopathy 1A. Last evaluated: 2016-12-24. Review status: criteria provided, single submitter. Criteria: Invitae Variant Classification Sherloc (09022015). Collection method: clinical testing. Allele origin: germline.
Comment: In summary, this variant is a novel missense change with uncertain impact on protein function. It has been classified as a Variant of Uncertain Significance. Algorithms developed to predict the effect of missense changes on protein structure and function do not agree on the potential impact of this missense change (SIFT: "Tolerated"; PolyPhen-2: "Probably Damaging"; Align-GVGD: "Class C0"). This variant is not present in population databases (ExAC no frequency) and has not been reported in the literature in individuals with a COL6A3-related disease. This sequence change replaces aspartic acid with asparagine at codon 2650 of the COL6A3 protein (p.Asp2650Asn). The aspartic acid residue is weakly conserved and there is a small physicochemical difference between aspartic acid and asparagine.

NM_004369.4(COL6A3):c.7948G>A (p.Asp2650Asn)

Gene: COL6A3 (collagen type VI alpha 3 chain; minus strand). Cytogenetic location: 2q37.3.
Variant type: single nucleotide variant.
Coding change: c.7948G>A on transcript NM_004369.4 (MANE Select); coding-DNA position 7948, G replaced by A.
Protein change: p.Asp2650Asn; replaces aspartic acid 2650 with asparagine.
Molecular consequence: missense variant.
Genome position (GRCh38, 1-based): chr2:237,340,968, C>T on the plus strand (G>A on the coding strand, the complement: COL6A3 is on the minus strand). VCF-style: chr2-237340968-C-T. GRCh37 (hg19) VCF-style: chr2-238249611-C-T.
Other names: c.6127G>A, p.Asp2043Asn (NM_057166.5); c.7330G>A, p.Asp2444Asn (NM_057167.4); short protein forms D2650N, D2043N, D2444N.
Identifiers: ClinVar variation 476559 (VCV000476559.9), dbSNP rs890268146, ClinGen allele CA67836139.